The following is an entry in ClinVar:

ClinVar aggregate classification (germline): Benign/Likely benign. Review status: criteria provided, multiple submitters, no conflicts (2 of 4 stars). 9 submissions from 9 submitters: Benign (6); Likely benign (3). Last evaluated 2026-08-01.

Conditions:
Early-infantile DEE. Also called: Early infantile epileptic encephalopathy; Ohtahara syndrome; Early infantile epileptic encephalopathy with suppression bursts. Identifiers: Orphanet 1934, MedGen C0393706, MONDO:0800491.
Inborn genetic diseases. Identifiers: MedGen C0950123, MeSH D030342.
Developmental and epileptic encephalopathy, 5 (DEE5). Identifiers: Orphanet 3451, MedGen C3150731, MONDO:0013277, OMIM 613477.

Allele frequency attached by ClinVar (database versions not stated): TOPMed 0.00148; ESP Exome Variant Server 0.00154; gnomAD 0.00154 and 0.00172; gnomAD exomes 0.00232 and 0.00271; ExAC 0.00246; 1000 Genomes Project 0.00260; 1000 Genomes Project 30x 0.00281.
gnomAD v4.1: 4,209 of 1,614,174 alleles (0.26%); highest among the groups gnomAD compares: South Asian, 0.73%; 8 homozygotes.

Submissions (12):

CeGaT Center for Human Genetics Tuebingen
Classification: Likely benign. Last evaluated: 2026-08-01. Review status: criteria provided, single submitter. Criteria: CeGaT Center For Human Genetics Tuebingen Variant Classification Criteria Version 2. Collection method: clinical testing. Allele origin: germline. Affected: yes. Observed: 38 variant alleles.
Comment: SPTAN1: BP4, BP7, BS1

Labcorp Genetics (formerly Invitae), Labcorp
Classification: Benign for Early-infantile DEE. Last evaluated: 2026-02-03. Review status: criteria provided, single submitter. Criteria: Invitae Variant Classification Sherloc (09022015). Collection method: clinical testing. Allele origin: germline.

Blueprint Genetics
Classification: Likely benign. Last evaluated: 2024-11-23. Review status: criteria provided, single submitter. Criteria: ACMG Guidelines, 2015. Collection method: clinical testing. Allele origin: germline.

Genome-Nilou Lab
Classification: Benign for Developmental and epileptic encephalopathy, 5. Last evaluated: 2021-07-15. Review status: criteria provided, single submitter. Criteria: ACMG Guidelines, 2015. Collection method: clinical testing. Allele origin: germline. Affected: no.

Eurofins Ntd Llc (ga)
Classification: Likely benign. Last evaluated: 2018-09-18. Review status: criteria provided, single submitter. Criteria: EGL ClinVar v180209 classification definitions. Collection method: clinical testing. Allele origin: germline. Observed: 1 variant allele, 1 heterozygote.

Athena Diagnostics
Classification: Benign. Last evaluated: 2017-12-20. Review status: criteria provided, single submitter. Criteria: Athena Diagnostics Criteria. Collection method: clinical testing. Allele origin: germline.

Ambry Genetics
Classification: Benign for Inborn genetic diseases. Last evaluated: 2016-09-06. Review status: criteria provided, single submitter. Criteria: Ambry Variant Classification Scheme 2023. Collection method: clinical testing. Allele origin: germline.

Genetic Services Laboratory, University of Chicago
Classification: Benign. Last evaluated: 2016-08-02. Review status: criteria provided, single submitter. Criteria: ACMG Guidelines, 2015. Collection method: clinical testing. Allele origin: germline. Affected: no.

GeneDx
Classification: Benign. Last evaluated: 2014-02-07. Review status: criteria provided, single submitter. Criteria: GeneDx Variant Classification (06012015). Collection method: clinical testing. Allele origin: germline. Affected: yes.
Comment: This variant is considered likely benign or benign based on one or more of the following criteria: it is a conservative change, it occurs at a poorly conserved position in the protein, it is predicted to be benign by multiple in silico algorithms, and/or has population frequency not consistent with disease.

Dr. Peter K. Rogan Lab, Western University
No classification provided (evidence only). Condition: Lung cancer. Review status: no classification provided. Collection method: in vitro. Allele origin: not applicable. Functional consequence: retained intron. Not counted in ClinVar's aggregate classification.

Dr. Peter K. Rogan Lab, Western University
No classification provided (evidence only). Condition: Familial cancer of breast. Review status: no classification provided. Collection method: in vitro. Allele origin: not applicable. Functional consequence: retained intron. Not counted in ClinVar's aggregate classification.

Dr. Peter K. Rogan Lab, Western University
No classification provided (evidence only). Condition: Uterine carcinosarcoma. Review status: no classification provided. Collection method: in vitro. Allele origin: not applicable. Functional consequence: retained intron. Not counted in ClinVar's aggregate classification.

NM_001130438.3(SPTAN1):c.6111C>T (p.Gly2037=)

Gene: SPTAN1 (spectrin alpha, non-erythrocytic 1; plus strand). Cytogenetic location: 9q34.11.
Variant type: single nucleotide variant.
Coding change: c.6111C>T on transcript NM_001130438.3 (MANE Select); coding-DNA position 6111, C replaced by T.
Protein change: p.Gly2037=; no amino-acid change (glycine 2037 retained).
Molecular consequence: synonymous variant.
Genome position (GRCh38, 1-based): chr9:128,625,810, C>T. VCF-style: chr9-128625810-C-T. GRCh37 (hg19) VCF-style: chr9-131388089-C-T.
Other names: p.G2037G:GGC>GGT; c.6036C>T, p.Gly2012= (NM_001195532.2); c.6111C>T, p.Gly2037= (NM_001363759.2); c.6051C>T, p.Gly2017= (NM_001363765.2); c.6096C>T, p.Gly2032= (NM_003127.4).
Identifiers: ClinVar variation 139306 (VCV000139306.56), dbSNP rs139799727, ClinGen allele CA293749.